The following is an entry in ClinVar:

NM_017739.4(POMGNT1):c.1453_1457del (p.Arg485fs)

Genes: POMGNT1 (protein O-linked mannose N-acetylglucosaminyltransferase 1 (beta 1,2-); minus strand), TSPAN1 (tetraspanin 1; plus strand). Cytogenetic location: 1p34.1.
Variant type: Deletion.
Coding change: c.1453_1457del on transcript NM_017739.4 (MANE Select); coding-DNA positions 1453 to 1457, 5 bases deleted (CGCCG; older notation c.1453_1457delCGCCG).
Protein change: p.Arg485fs; shifts the reading frame from arginine 485.
Molecular consequence: frameshift variant.
Genome position (GRCh38, 1-based): chr1:46,192,180-46,192,184, CGGCG deleted on the plus strand (CGCCG on the coding strand, the reverse complement: POMGNT1 is on the minus strand). VCF-style (leftmost placement, unchanged base first): chr1-46192179-CCGGCG-C. GRCh37 (hg19) VCF-style: chr1-46657851-CCGGCG-C.
Other names: c.1453_1457del, p.Arg485fs (NM_001243766.2, NM_001410783.1, NM_001437653.1 and 3 more transcripts); c.1387_1391del, p.Arg463fs (NM_001290129.3, NM_001438691.1, NM_001438692.1); c.1024_1028del, p.Arg342fs (NM_001290130.2); short protein forms R342fs, R463fs, R485fs.
Identifiers: ClinVar variation 5014062 (VCV005014062.1).

ClinVar aggregate classification (germline): Pathogenic (1 of 4 stars; one submission).

Conditions:
Myopathy caused by variation in POMGNT1. Identifiers: MedGen CN305639, MONDO:0700068.

Submission:

Myriad Genetics, Inc.
Classification: Pathogenic for Myopathy caused by variation in POMGNT1. Last evaluated: 2025-02-06. Review status: criteria provided, single submitter. Criteria: Myriad Autosomal Dominant, Autosomal Recessive and X-Linked Classification Criteria (2023). Collection method: clinical testing. Allele origin: unknown.
Comment: NM_017739.3(POMGNT1):c.1453_1457del5(R485Gfs*8) is expected to be pathogenic in the context of POMGNT1-related disorders. This variant is predicted to lead to an abnormal or absent protein product due to the creation of a premature termination codon in POMGNT1, a gene where loss-of-function variants are known to be pathogenic. Please note: this variant was assessed in the context of healthy population screening.